The following is an entry in ClinVar:

NM_001082486.2(ACD):c.608C>T (p.Pro203Leu)

Gene: ACD (ACD shelterin complex subunit and telomerase recruitment factor; minus strand). Cytogenetic location: 16q22.1.
Variant type: single nucleotide variant.
Coding change: c.608C>T on transcript NM_001082486.2 (MANE Select); coding-DNA position 608, C replaced by T.
Protein change: p.Pro203Leu; replaces proline 203 with leucine.
Molecular consequence: missense variant.
Genome position (GRCh38, 1-based): chr16:67,658,965, G>A on the plus strand (C>T on the coding strand, the complement: ACD is on the minus strand). VCF-style: chr16-67658965-G-A. GRCh37 (hg19) VCF-style: chr16-67692868-G-A.
Other names: c.599C>T, p.Pro200Leu (NM_022914.3); short protein forms P200L, P203L.
Identifiers: ClinVar variation 944166 (VCV000944166.9), dbSNP rs1445067662, ClinGen allele CA396353991.
Genomic context (GRCh38, chr16:67,658,965, plus strand): 5'-CCCAAGCAAATCCCCAGACTGACCGTGGCCTTGCATCGTGAGGCAGCCCAGTGGGTGACA[G>A]GGGGTGCTGTGCAAGGGCCCTCCAGTGTCAGGCAGCTTTCAGCCAGGCACACGAGTGCCC-3'
Protein context (NP_001075955.2, residues 193-213): LTLEGPCTAP[Pro203Leu]VTHWAASRCK

ClinVar aggregate classification (germline): Uncertain significance. Review status: criteria provided, multiple submitters, no conflicts (2 of 4 stars). 2 submissions from 2 submitters: Uncertain significance (2). Last evaluated 2023-08-17.

Conditions:
Inborn genetic diseases. Identifiers: MedGen C0950123, MeSH D030342.
Dyskeratosis congenita, autosomal dominant 6 (DKCA6). Identifiers: Orphanet 3322, MedGen C4225284, MONDO:0014690, OMIM 616553.

Allele frequency attached by ClinVar (database versions not stated): gnomAD exomes below 0.00001; gnomAD 0.00001.
gnomAD v4.1: 3 of 1,613,676 alleles (0.00019%); highest among the groups gnomAD compares: Admixed American, 0.0017%; no homozygotes.

Submissions (2):

Labcorp Genetics (formerly Invitae), Labcorp
Classification: Uncertain significance for Dyskeratosis congenita, autosomal dominant 6. Last evaluated: 2023-08-17. Review status: criteria provided, single submitter. Criteria: Invitae Variant Classification Sherloc (09022015). Collection method: clinical testing. Allele origin: germline.
Comment: In summary, the available evidence is currently insufficient to determine the role of this variant in disease. Therefore, it has been classified as a Variant of Uncertain Significance. This sequence change replaces proline, which is neutral and non-polar, with leucine, which is neutral and non-polar, at codon 289 of the ACD protein (p.Pro289Leu). This variant is present in population databases (no rsID available, gnomAD 0.003%). This variant has not been reported in the literature in individuals affected with ACD-related conditions. ClinVar contains an entry for this variant (Variation ID: 944166). Advanced modeling of protein sequence and biophysical properties (such as structural, functional, and spatial information, amino acid conservation, physicochemical variation, residue mobility, and thermodynamic stability) performed at Invitae indicates that this missense variant is not expected to disrupt ACD protein function.

Ambry Genetics
Classification: Uncertain significance for Inborn genetic diseases. Last evaluated: 2022-06-29. Review status: criteria provided, single submitter. Criteria: Ambry Variant Classification Scheme 2023. Collection method: clinical testing. Allele origin: germline.
Comment: The p.P289L variant (also known as c.866C>T), located in coding exon 7 of the ACD gene, results from a C to T substitution at nucleotide position 866. The proline at codon 289 is replaced by leucine, an amino acid with similar properties. This amino acid position is conserved. In addition, this alteration is predicted to be tolerated by in silico analysis. Since supporting evidence is limited at this time, the clinical significance of this alteration remains unclear.